The following is an entry in ClinVar:

NM_001330260.2(SCN8A):c.4733ACT[2] (p.Tyr1580del)

Gene: SCN8A (sodium voltage-gated channel alpha subunit 8; plus strand). Cytogenetic location: 12q13.13.
Variant type: Microsatellite.
Coding change: c.4733ACT[2] on transcript NM_001330260.2 (MANE Select); two copies in a row of the 3-base unit ACT starting at c.4733; the reference has three copies in a row; one copy, 3 bases deleted.
Protein change: p.Tyr1580del; deletes tyrosine 1580.
Genome position (GRCh38, 1-based): chr12:51,794,585-51,794,587, ACT deleted; deleting any 3 consecutive bases within chr12:51,794,579-51,794,587 gives the same sequence; the position shown is the placement nearest the transcript's 3' end. VCF-style (leftmost placement, unchanged base first): chr12-51794578-CACT-C. GRCh37 (hg19) VCF-style: chr12-52188362-CACT-C.
Other names: c.4739_4741del (NM_014191.3); c.4610ACT[2], p.Tyr1539del (NM_001177984.3, NM_001369788.1); c.4733ACT[2], p.Tyr1580del (NM_014191.4); short protein forms Y1539del, Y1580del.
Identifiers: ClinVar variation 3723870 (VCV003723870.3).

ClinVar aggregate classification (germline): Uncertain significance. Review status: criteria provided, multiple submitters, no conflicts (2 of 4 stars). 2 submissions from 2 submitters: Uncertain significance (2). Last evaluated 2024-12-06.

Conditions:
Early-infantile DEE. Also called: Ohtahara syndrome; Early infantile epileptic encephalopathy with suppression bursts; Early infantile epileptic encephalopathy. Identifiers: Orphanet 1934, MedGen C0393706, MONDO:0800491.

Submissions (2):

GeneDx
Classification: Uncertain significance. Last evaluated: 2024-12-06. Review status: criteria provided, single submitter. Criteria: GeneDx Variant Classification Process June 2021. Collection method: clinical testing. Allele origin: germline. Affected: yes.
Comment: Not observed at significant frequency in large population cohorts (gnomAD); In-frame deletion of 1 amino acid in a non-repeat region; In silico analysis supports a deleterious effect on protein structure/function; Has not been previously published as pathogenic or benign to our knowledge

Labcorp Genetics (formerly Invitae), Labcorp
Classification: Uncertain significance for Early-infantile DEE. Last evaluated: 2024-10-27. Review status: criteria provided, single submitter. Criteria: Invitae Variant Classification Sherloc (09022015). Collection method: clinical testing. Allele origin: germline.
Comment: This variant, c.4739_4741del, results in the deletion of 1 amino acid(s) of the SCN8A protein (p.Tyr1580del), but otherwise preserves the integrity of the reading frame. This variant is not present in population databases (gnomAD no frequency). This variant has not been reported in the literature in individuals affected with SCN8A-related conditions. Experimental studies and prediction algorithms are not available or were not evaluated, and the functional significance of this variant is currently unknown. In summary, the available evidence is currently insufficient to determine the role of this variant in disease. Therefore, it has been classified as a Variant of Uncertain Significance.